The following is an entry in ClinVar:

NM_152564.5(VPS13B):c.4241T>C (p.Leu1414Pro)

Gene: VPS13B (vacuolar protein sorting 13 homolog B; plus strand). Cytogenetic location: 8q22.2.
Variant type: single nucleotide variant.
Coding change: c.4241T>C on transcript NM_152564.5 (MANE Select); coding-DNA position 4241, T replaced by C.
Protein change: p.Leu1414Pro; replaces leucine 1414 with proline.
Molecular consequence: missense variant.
Genome position (GRCh38, 1-based): chr8:99,511,120, T>C. VCF-style: chr8-99511120-T-C. GRCh37 (hg19) VCF-style: chr8-100523348-T-C.
Other names: c.4316T>C, p.Leu1439Pro (NM_017890.5); short protein forms L1439P, L1414P.
Identifiers: ClinVar variation 1970809 (VCV001970809.2), dbSNP rs2490520508, ClinGen allele CA371871202.

ClinVar aggregate classification (germline): Uncertain significance (1 of 4 stars; one submission).

Conditions:
Cohen syndrome (COH1). Also called: Cutis verticis gyrata, retinitis pigmentosa, and sensorineural deafness; PEPPER SYNDROME. Identifiers: Orphanet 193, MedGen C0265223, MONDO:0008999, OMIM 216550.

Submission:

Labcorp Genetics (formerly Invitae), Labcorp
Classification: Uncertain significance for Cohen syndrome. Last evaluated: 2022-06-30. Review status: criteria provided, single submitter. Criteria: Invitae Variant Classification Sherloc (09022015). Collection method: clinical testing. Allele origin: germline.
Comment: This sequence change replaces leucine, which is neutral and non-polar, with proline, which is neutral and non-polar, at codon 1439 of the VPS13B protein (p.Leu1439Pro). This variant is not present in population databases (gnomAD no frequency). This variant has not been reported in the literature in individuals affected with VPS13B-related conditions. Algorithms developed to predict the effect of missense changes on protein structure and function are either unavailable or do not agree on the potential impact of this missense change (SIFT: "Not Available"; PolyPhen-2: "Probably Damaging"; Align-GVGD: "Not Available"). In summary, the available evidence is currently insufficient to determine the role of this variant in disease. Therefore, it has been classified as a Variant of Uncertain Significance.